The following is an entry in ClinVar:

ClinVar aggregate classification (germline): Uncertain significance. Review status: criteria provided, multiple submitters, no conflicts (2 of 4 stars). 2 submissions from 2 submitters: Uncertain significance (2). Last evaluated 2024-10-24.

Conditions:
Charcot-Marie-Tooth disease axonal type 2O. Also called: Charcot-Marie-Tooth disease, axonal, type 20; CHARCOT-MARIE-TOOTH NEUROPATHY, AXONAL, TYPE 2O; CHARCOT-MARIE-TOOTH DISEASE, AXONAL, AUTOSOMAL DOMINANT, TYPE 2O; Charcot-Marie-Tooth Neuropathy Type 2O. Identifiers: Orphanet 284232, MedGen C3280220, MONDO:0013644, OMIM 614228.
Inborn genetic diseases. Identifiers: MedGen C0950123, MeSH D030342.

Allele frequency attached by ClinVar (database versions not stated): gnomAD exomes below 0.00001; gnomAD 0.00001; TOPMed 0.00002.
gnomAD v4.1: 4 of 1,613,838 alleles (0.00025%); highest among the groups gnomAD compares: Admixed American, 0.005%; no homozygotes.

Submissions (2):

Labcorp Genetics (formerly Invitae), Labcorp
Classification: Uncertain significance for Charcot-Marie-Tooth disease axonal type 2O. Last evaluated: 2024-10-24. Review status: criteria provided, single submitter. Criteria: Invitae Variant Classification Sherloc (09022015). Collection method: clinical testing. Allele origin: germline.
Comment: This sequence change replaces glycine, which is neutral and non-polar, with arginine, which is basic and polar, at codon 3984 of the DYNC1H1 protein (p.Gly3984Arg). This variant is not present in population databases (gnomAD no frequency). This variant has not been reported in the literature in individuals affected with DYNC1H1-related conditions. ClinVar contains an entry for this variant (Variation ID: 1745738). Invitae Evidence Modeling of protein sequence and biophysical properties (such as structural, functional, and spatial information, amino acid conservation, physicochemical variation, residue mobility, and thermodynamic stability) indicates that this missense variant is not expected to disrupt DYNC1H1 protein function with a negative predictive value of 95%. In summary, the available evidence is currently insufficient to determine the role of this variant in disease. Therefore, it has been classified as a Variant of Uncertain Significance.

Ambry Genetics
Classification: Uncertain significance for Inborn genetic diseases. Last evaluated: 2018-01-16. Review status: criteria provided, single submitter. Criteria: Ambry Variant Classification Scheme 2023. Collection method: clinical testing. Allele origin: germline.
Comment: The p.G3984R variant (also known as c.11950G>C), located in coding exon 65 of the DYNC1H1 gene, results from a G to C substitution at nucleotide position 11950. The glycine at codon 3984 is replaced by arginine, an amino acid with dissimilar properties. This amino acid position is highly conserved in available vertebrate species. In addition, the in silico prediction for this alteration is inconclusive. Since supporting evidence is limited at this time, the clinical significance of this alteration remains unclear.

NM_001376.5(DYNC1H1):c.11950G>C (p.Gly3984Arg)

Gene: DYNC1H1 (dynein cytoplasmic 1 heavy chain 1; plus strand). Cytogenetic location: 14q32.31.
Variant type: single nucleotide variant.
Coding change: c.11950G>C on transcript NM_001376.5 (MANE Select); coding-DNA position 11950, G replaced by C.
Protein change: p.Gly3984Arg; replaces glycine 3984 with arginine.
Molecular consequence: missense variant.
Genome position (GRCh38, 1-based): chr14:102,041,582, G>C. VCF-style: chr14-102041582-G-C. GRCh37 (hg19) VCF-style: chr14-102507919-G-C.
Other names: short protein forms G3984R.
Identifiers: ClinVar variation 1745738 (VCV001745738.5), dbSNP rs1369927772, ClinGen allele CA391037557.